The following is an entry in ClinVar:

ClinVar aggregate classification (germline): Pathogenic (1 of 4 stars; one submission).

Conditions:
Neurofibromatosis, type 1 (NF1). Also called: NEUROFIBROMATOSIS, TYPE I, SOMATIC; VON RECKLINGHAUSEN DISEASE; Peripheral type neurofibromatosis; Neurofibromatosis, type I. Identifiers: Orphanet 636, MedGen C0027831, MONDO:0018975, OMIM 162200. Disease mechanism: loss of function.

Submission:

Labcorp Genetics (formerly Invitae), Labcorp
Classification: Pathogenic for Neurofibromatosis, type 1. Last evaluated: 2025-08-18. Review status: criteria provided, single submitter. Criteria: Invitae Variant Classification Sherloc (09022015). Collection method: clinical testing. Allele origin: germline.
Comment: This sequence change creates a premature translational stop signal (p.Cys1144Tyrfs*52) in the NF1 gene. It is expected to result in an absent or disrupted protein product. Loss-of-function variants in NF1 are known to be pathogenic (PMID: 10712197, 23913538). This variant is not present in population databases (gnomAD no frequency). This variant has not been reported in the literature in individuals affected with NF1-related conditions. Algorithms developed to predict the effect of sequence changes on RNA splicing suggest that this variant may disrupt the consensus splice site. For these reasons, this variant has been classified as Pathogenic.

Literature cited by the submitters: PubMed 10712197; PubMed 23913538.

NM_001042492.3(NF1):c.3430_3431insACAT (p.Cys1144fs)

Gene: NF1 (neurofibromin 1; plus strand). Cytogenetic location: 17q11.2.
Variant type: Insertion.
Coding change: c.3430_3431insACAT on transcript NM_001042492.3 (MANE Select); coding-DNA positions 3430 to 3431, ACAT inserted.
Protein change: p.Cys1144fs; shifts the reading frame from cysteine 1144.
Molecular consequence: frameshift variant.
Genome position: GRCh38 VCF-style: chr17-31232814-C-CTACA. GRCh37 (hg19) VCF-style: chr17-29559832-C-CTACA.
Other names: c.3430_3431insACAT, p.Cys1144fs (NM_000267.4); short protein forms C1144fs.
Identifiers: ClinVar variation 4725346 (VCV004725346.1).